The following is an entry in ClinVar:

NM_001244008.2(KIF1A):c.2582+4G>A

Gene: KIF1A (kinesin family member 1A; minus strand). Cytogenetic location: 2q37.3.
Variant type: single nucleotide variant.
Coding change: c.2582+4G>A on transcript NM_001244008.2 (MANE Select); 4 bases into the intron after coding-DNA position 2582, G replaced by A.
Molecular consequence: intron variant.
Genome position (GRCh38, 1-based): chr2:240,758,356, C>T on the plus strand (G>A on the coding strand, the complement: KIF1A is on the minus strand). VCF-style: chr2-240758356-C-T. GRCh37 (hg19) VCF-style: chr2-241697773-C-T.
Other names: c.2555+4G>A (NM_001379653.1, NM_001379650.1, NM_001379645.1 and 10 more transcripts); c.2657+4G>A (NM_001379635.1, NM_001330290.2, NM_001379646.1 and 2 more transcripts); c.2630+4G>A (NM_001379637.1, NM_001379648.1); c.2582+4G>A (NM_001320705.2, NM_001379638.1, NM_001330289.2 and 1 more transcripts).
Identifiers: ClinVar variation 335273 (VCV000335273.20), dbSNP rs572013653, ClinGen allele CA2208069.

ClinVar aggregate classification (germline): Conflicting classifications of pathogenicity. Review status: criteria provided, conflicting classifications (1 of 4 stars). 5 submissions from 5 submitters: Uncertain significance (1); Benign (1); Likely benign (3). Last evaluated 2026-09-01.

Conditions:
Hereditary spastic paraplegia 30. Identifiers: Orphanet 101010, MedGen C5235139, MONDO:0012476.
Neuropathy, hereditary sensory, type 2C. Also called: Hereditary sensory and autonomic neuropathy type IIC; KIF1A-Related HSAN2 (HSAN2C). Identifiers: Orphanet 970, MedGen C3280168, MONDO:0013634, OMIM 614213.
Intellectual disability, autosomal dominant 9 (NESCAVS). Also called: NESCAV SYNDROME; KIF1A-Related Neurodevelopmental Disorder. Identifiers: Orphanet 662367, MedGen C5393830, MONDO:0013656, OMIM 614255.
KIF1A-related disorder. Also called: KIF1A-related disorders; KIF1A-related condition.

Allele frequency attached by ClinVar (database versions not stated): gnomAD exomes 0.00009 and 0.00042; gnomAD 0.00016 and 0.00018; 1000 Genomes Project 0.00020; ExAC 0.00028; 1000 Genomes Project 30x 0.00031; TOPMed 0.00034.
gnomAD v4.1: 153 of 1,608,708 alleles (0.0095%); highest among the groups gnomAD compares: Admixed American, 0.24%; 1 homozygote.

Submissions (5):

CeGaT Center for Human Genetics Tuebingen
Classification: Likely benign. Last evaluated: 2026-09-01. Review status: criteria provided, single submitter. Criteria: CeGaT Center For Human Genetics Tuebingen Variant Classification Criteria Version 2. Collection method: clinical testing. Allele origin: germline. Affected: yes. Observed: 1 variant allele.
Comment: KIF1A: BP4

Labcorp Genetics (formerly Invitae), Labcorp
Classification: Benign for Hereditary spastic paraplegia 30; Neuropathy, hereditary sensory, type 2C; Intellectual disability, autosomal dominant 9. Last evaluated: 2026-01-21. Review status: criteria provided, single submitter. Criteria: Invitae Variant Classification Sherloc (09022015). Collection method: clinical testing. Allele origin: germline.

PreventionGenetics, part of Exact Sciences
Classification: Likely benign for KIF1A-related condition. Last evaluated: 2026-01-01. Review status: criteria provided, single submitter. Criteria: ACMG Guidelines, 2015. Collection method: clinical testing. Allele origin: germline.
Comment: This variant is classified as likely benign based on ACMG/AMP sequence variant interpretation guidelines (Richards et al. 2015 PMID: 25741868, with internal and published modifications).

GeneDx
Classification: Likely benign. Last evaluated: 2021-02-25. Review status: criteria provided, single submitter. Criteria: GeneDx Variant Classification Process June 2021. Collection method: clinical testing. Allele origin: germline. Affected: yes.

Illumina Laboratory Services, Illumina
Classification: Uncertain significance for Spastic paraplegia 30A, autosomal dominant. Last evaluated: 2018-01-13. Review status: criteria provided, single submitter. Criteria: ICSL Variant Classification Criteria 13 December 2019. Collection method: clinical testing. Allele origin: germline.